The following is an entry in ClinVar:

ClinVar aggregate classification (germline): Uncertain significance (1 of 4 stars; one submission).

Submission:

Labcorp Genetics (formerly Invitae), Labcorp
Classification: Uncertain significance. Last evaluated: 2024-07-17. Review status: criteria provided, single submitter. Criteria: Invitae Variant Classification Sherloc (09022015). Collection method: clinical testing. Allele origin: germline.
Comment: This sequence change replaces glutamic acid, which is acidic and polar, with glycine, which is neutral and non-polar, at codon 1433 of the NIN protein (p.Glu1433Gly). This variant is not present in population databases (gnomAD no frequency). This variant has not been reported in the literature in individuals affected with NIN-related conditions. An algorithm developed to predict the effect of missense changes on protein structure and function outputs the following: PolyPhen-2: "Benign". The glycine amino acid residue is found in multiple mammalian species, which suggests that this missense change does not adversely affect protein function. In summary, the available evidence is currently insufficient to determine the role of this variant in disease. Therefore, it has been classified as a Variant of Uncertain Significance.

NM_020921.4(NIN):c.4298A>G (p.Glu1433Gly)

Gene: NIN (ninein; minus strand). Cytogenetic location: 14q22.1.
Variant type: single nucleotide variant.
Coding change: c.4298A>G on transcript NM_020921.4 (MANE Select); coding-DNA position 4298, A replaced by G.
Protein change: p.Glu1433Gly; replaces glutamic acid 1433 with glycine.
Molecular consequence: missense variant. On other transcripts: intron variant (1).
Genome position (GRCh38, 1-based): chr14:50,756,732, T>C on the plus strand (A>G on the coding strand, the complement: NIN is on the minus strand). VCF-style: chr14-50756732-T-C. GRCh37 (hg19) VCF-style: chr14-51223450-T-C.
Other names: c.4298A>G, p.Glu1433Gly (NM_182944.3, NM_182946.2); c.2400-1865A>G (NM_016350.5); short protein forms E1433G.
Identifiers: ClinVar variation 3659741 (VCV003659741.2).